The following is an entry in ClinVar:

NM_006015.6(ARID1A):c.270CGG[4] (p.Gly93dup)

Gene: ARID1A (AT-rich interaction domain 1A; plus strand). Cytogenetic location: 1p36.11.
Variant type: Microsatellite.
Coding change: c.270CGG[4] on transcript NM_006015.6 (MANE Select); four copies in a row of the 3-base unit CGG starting at c.270; the reference has three copies in a row; one copy, 3 bases duplicated; also written c.276_278dup.
Protein change: p.Gly93dup; duplicates glycine 93.
Molecular consequence: inframe insertion.
Genome position (GRCh38, 1-based): chr1:26,696,679-26,696,681, CGG duplicated; duplicating any 3 consecutive bases within chr1:26,696,672-26,696,681 gives the same sequence; the position shown is the placement nearest the transcript's 3' end. VCF-style (leftmost placement, unchanged base first): chr1-26696671-A-AGCG. GRCh37 (hg19) VCF-style: chr1-27023162-A-AGCG.
Other names: c.270CGG[4], p.Gly93dup (NM_139135.4); c.276_278dup (NM_006015.6).
Identifiers: ClinVar variation 992765 (VCV000992765.6), dbSNP rs2080258350, ClinGen allele CA1160180719.

ClinVar aggregate classification (germline): Uncertain significance. Review status: criteria provided, multiple submitters, no conflicts (2 of 4 stars). 3 submissions from 3 submitters: Uncertain significance (3). Last evaluated 2024-11-14.

Conditions:
Intellectual disability, autosomal dominant 14 (CSS2). Also called: COFFIN-SIRIS SYNDROME 2. Identifiers: Orphanet 1465, MedGen C3553247, MONDO:0013819, OMIM 614607.

Submissions (3):

Labcorp Genetics (formerly Invitae), Labcorp
Classification: Uncertain significance. Last evaluated: 2024-11-14. Review status: criteria provided, single submitter. Criteria: Invitae Variant Classification Sherloc (09022015). Collection method: clinical testing. Allele origin: germline.
Comment: This variant, c.276_278dup, results in the insertion of 1 amino acid(s) of the ARID1A protein (p.Gly93dup), but otherwise preserves the integrity of the reading frame. This variant is not present in population databases (gnomAD no frequency). This variant has not been reported in the literature in individuals affected with ARID1A-related conditions. ClinVar contains an entry for this variant (Variation ID: 992765). In summary, the available evidence is currently insufficient to determine the role of this variant in disease. Therefore, it has been classified as a Variant of Uncertain Significance.

New York Genome Center
Classification: Uncertain significance for Intellectual disability, autosomal dominant 14. Last evaluated: 2019-06-21. Review status: criteria provided, single submitter. Criteria: NYGC Assertion Criteria 2020. Collection method: clinical testing. Allele origin: germline. Observed: 1 heterozygote. Study: CSER-NYCKidSeq.

Juno Genomics, Hangzhou Juno Genomics, Inc
Classification: Uncertain significance for Intellectual disability, autosomal dominant 14. Review status: criteria provided, single submitter. Criteria: ACMG Guidelines, 2015. Collection method: clinical testing. Allele origin: germline. Affected: yes.
Comment: Absent from controls (or at extremely low frequency if recessive) in Genome Aggregation Database, Exome Sequencing Project, 1000 Genomes Project, or Exome Aggregation Consortium.;Protein length changes due to in-frame deletions/insertions in a non-repeat region or stop-loss variants.